The following is an entry in ClinVar:

ClinVar aggregate classification (germline): Uncertain significance. Review status: criteria provided, multiple submitters, no conflicts (2 of 4 stars). 3 submissions from 3 submitters: Uncertain significance (3). Last evaluated 2025-10-03.

Conditions:
DICER1-related tumor predisposition. Also called: DICER1-related pleuropulmonary blastoma cancer predisposition syndrome; DICER1 syndrome. Identifiers: Orphanet 284343, MedGen C3839822, MONDO:0100216.
Global developmental delay - lung cysts - overgrowth - Wilms tumor syndrome. Also called: GLOBAL DEVELOPMENTAL DELAY, LUNG CYSTS, OVERGROWTH, AND WILMS TUMOR; GLOW Syndrome. Identifiers: Orphanet 404476, MedGen C4748924, MONDO:0018445, OMIM 618272.
Hereditary cancer-predisposing syndrome. Also called: Hereditary neoplastic syndrome; Hereditary Cancer Syndrome; Neoplastic Syndromes, Hereditary; Tumor predisposition. Identifiers: Orphanet 140162, MedGen C0027672, MeSH D009386, MONDO:0015356.

Submissions (3):

Ambry Genetics
Classification: Uncertain significance for Hereditary cancer-predisposing syndrome. Last evaluated: 2025-10-03. Review status: criteria provided, single submitter. Criteria: Ambry Variant Classification Scheme 2023. Collection method: clinical testing. Allele origin: germline.
Comment: The p.H184Y variant (also known as c.550C>T), located in coding exon 4 of the DICER1 gene, results from a C to T substitution at nucleotide position 550. The histidine at codon 184 is replaced by tyrosine, an amino acid with similar properties. This amino acid position is conserved. In addition, the in silico prediction for this alteration is inconclusive. Based on the available evidence, the clinical significance of this variant remains unclear.

Baylor Genetics
Classification: Uncertain significance for Global developmental delay - lung cysts - overgrowth - Wilms tumor syndrome. Last evaluated: 2024-01-11. Review status: criteria provided, single submitter. Criteria: ACMG Guidelines, 2015. Collection method: clinical testing. Allele origin: unknown.

Labcorp Genetics (formerly Invitae), Labcorp
Classification: Uncertain significance for DICER1-related tumor predisposition. Last evaluated: 2023-09-27. Review status: criteria provided, single submitter. Criteria: Invitae Variant Classification Sherloc (09022015). Collection method: clinical testing. Allele origin: germline.
Comment: This sequence change replaces histidine, which is basic and polar, with tyrosine, which is neutral and polar, at codon 184 of the DICER1 protein (p.His184Tyr). This variant is not present in population databases (gnomAD no frequency). This variant has not been reported in the literature in individuals affected with DICER1-related conditions. Advanced modeling of protein sequence and biophysical properties (such as structural, functional, and spatial information, amino acid conservation, physicochemical variation, residue mobility, and thermodynamic stability) performed at Invitae indicates that this missense variant is expected to disrupt DICER1 protein function. In summary, the available evidence is currently insufficient to determine the role of this variant in disease. Therefore, it has been classified as a Variant of Uncertain Significance.

NM_177438.3(DICER1):c.550C>T (p.His184Tyr)

Gene: DICER1 (dicer 1, ribonuclease III; minus strand). Cytogenetic location: 14q32.13.
Variant type: single nucleotide variant.
Coding change: c.550C>T on transcript NM_177438.3 (MANE Select); coding-DNA position 550, C replaced by T.
Protein change: p.His184Tyr; replaces histidine 184 with tyrosine.
Molecular consequence: missense variant. On other transcripts: 5 prime UTR variant (2), non-coding transcript variant (6).
Genome position (GRCh38, 1-based): chr14:95,130,081, G>A on the plus strand (C>T on the coding strand, the complement: DICER1 is on the minus strand). VCF-style: chr14-95130081-G-A. GRCh37 (hg19) VCF-style: chr14-95596418-G-A.
Other names: c.268C>T, p.His90Tyr (NM_001395686.1); c.145C>T, p.His49Tyr (NM_001395687.1, NM_001395688.1, NM_001395689.1 and 3 more transcripts); c.-18C>T (NM_001395691.1); c.550C>T, p.His184Tyr (NM_001395692.1, NM_001395693.1, NM_001395694.1 and 15 more transcripts); c.-1019C>T (NM_001395697.1); short protein forms H184Y, H90Y, H49Y.
Identifiers: ClinVar variation 2763793 (VCV002763793.5), dbSNP rs1893822227, ClinGen allele CA390888376.